The following is an entry in ClinVar:

ClinVar aggregate classification (germline): Uncertain significance (1 of 4 stars; one submission).

Allele frequency attached by ClinVar (database versions not stated): gnomAD exomes below 0.00001 and 0.00001; ExAC 0.00001.
gnomAD v4.1: 3 of 1,612,652 alleles (0.00019%); highest among the groups gnomAD compares: Admixed American, 0.0033%; no homozygotes.

Submission:

Labcorp Genetics (formerly Invitae), Labcorp
Classification: Uncertain significance. Last evaluated: 2022-03-26. Review status: criteria provided, single submitter. Criteria: Invitae Variant Classification Sherloc (09022015). Collection method: clinical testing. Allele origin: germline.
Comment: In summary, the available evidence is currently insufficient to determine the role of this variant in disease. Therefore, it has been classified as a Variant of Uncertain Significance. Algorithms developed to predict the effect of missense changes on protein structure and function (SIFT, PolyPhen-2, Align-GVGD) all suggest that this variant is likely to be disruptive. This variant has not been reported in the literature in individuals affected with NBAS-related conditions. This variant is present in population databases (rs756660740, gnomAD 0.003%). This sequence change replaces glutamic acid, which is acidic and polar, with glutamine, which is neutral and polar, at codon 677 of the NBAS protein (p.Glu677Gln).

NM_015909.4(NBAS):c.2029G>C (p.Glu677Gln)

Gene: NBAS (NBAS subunit of NRZ tethering complex; minus strand). Cytogenetic location: 2p24.3.
Variant type: single nucleotide variant.
Coding change: c.2029G>C on transcript NM_015909.4 (MANE Select); coding-DNA position 2029, G replaced by C.
Protein change: p.Glu677Gln; replaces glutamic acid 677 with glutamine.
Molecular consequence: missense variant. On other transcripts: non-coding transcript variant (1).
Genome position (GRCh38, 1-based): chr2:15,467,397, C>G on the plus strand (G>C on the coding strand, the complement: NBAS is on the minus strand). VCF-style: chr2-15467397-C-G. GRCh37 (hg19) VCF-style: chr2-15607521-C-G.
Other names: short protein forms E677Q.
Identifiers: ClinVar variation 1516546 (VCV001516546.8), dbSNP rs756660740, ClinGen allele CA1536481.